The following is an entry in ClinVar:

NM_000245.4(MET):c.3725G>T (p.Gly1242Val)

Gene: MET (MET proto-oncogene, receptor tyrosine kinase; plus strand). Cytogenetic location: 7q31.2.
Variant type: single nucleotide variant.
Coding change: c.3725G>T on transcript NM_000245.4 (MANE Select); coding-DNA position 3725, G replaced by T.
Protein change: p.Gly1242Val; replaces glycine 1242 with valine.
Molecular consequence: missense variant.
Genome position (GRCh38, 1-based): chr7:116,783,396, G>T. VCF-style: chr7-116783396-G-T. GRCh37 (hg19) VCF-style: chr7-116423450-G-T.
Other names: c.3779G>T, p.Gly1260Val (NM_001127500.3); c.2435G>T, p.Gly812Val (NM_001324402.2); short protein forms G1260V, G812V, G1242V.
Identifiers: ClinVar variation 951340 (VCV000951340.12), dbSNP rs776086430, ClinGen allele CA368991771.
Genomic context (GRCh38, chr7:116,783,396, plus strand): 5'-ATTTTGGTCTTGCCAGAGACATGTATGATAAAGAATACTATAGTGTACACAACAAAACAG[G>T]TGCAAAGCTGCCAGTGAAGTGGATGGCTTTGGAAAGTCTGCAAACTCAAAAGTTTACCAC-3'
Protein context (NP_000236.2, residues 1232-1252): KEYYSVHNKT[Gly1242Val]AKLPVKWMAL

ClinVar aggregate classification (germline): Uncertain significance. Review status: criteria provided, multiple submitters, no conflicts (2 of 4 stars). 2 submissions from 2 submitters: Uncertain significance (2). Last evaluated 2026-01-12.

Conditions:
Hereditary cancer-predisposing syndrome. Also called: Tumor predisposition; Hereditary neoplastic syndrome; Neoplastic Syndromes, Hereditary; Hereditary Cancer Syndrome. Identifiers: Orphanet 140162, MedGen C0027672, MeSH D009386, MONDO:0015356.
Renal cell carcinoma. Identifiers: Orphanet 217071, MedGen C0007134, MeSH D002292, MONDO:0005086, HP:0005584.

Allele frequency attached by ClinVar (database versions not stated): TOPMed below 0.00001.
gnomAD v4.1: 1 of 1,614,150 alleles (0.000062%); highest among the groups gnomAD compares: Non-Finnish European, 0.000085%; no homozygotes.

Submissions (2):

Labcorp Genetics (formerly Invitae), Labcorp
Classification: Uncertain significance for Renal cell carcinoma. Last evaluated: 2026-01-12. Review status: criteria provided, single submitter. Criteria: Invitae Variant Classification Sherloc (09022015). Collection method: clinical testing. Allele origin: germline.
Comment: This sequence change replaces glycine, which is neutral and non-polar, with valine, which is neutral and non-polar, at codon 1260 of the MET protein (p.Gly1260Val). This variant is not present in population databases (gnomAD no frequency). This variant has not been reported in the literature in individuals affected with MET-related conditions. ClinVar contains an entry for this variant (Variation ID: 951340). Invitae Evidence Modeling of protein sequence and biophysical properties (such as structural, functional, and spatial information, amino acid conservation, physicochemical variation, residue mobility, and thermodynamic stability) indicates that this missense variant is expected to disrupt MET protein function with a positive predictive value of 80%. In summary, the available evidence is currently insufficient to determine the role of this variant in disease. Therefore, it has been classified as a Variant of Uncertain Significance.

Ambry Genetics
Classification: Uncertain significance for Hereditary cancer-predisposing syndrome. Last evaluated: 2025-06-08. Review status: criteria provided, single submitter. Criteria: Ambry Variant Classification Scheme 2023. Collection method: clinical testing. Allele origin: germline.
Comment: The p.G1260V variant (also known as c.3779G>T), located in coding exon 18 of the MET gene, results from a G to T substitution at nucleotide position 3779. The glycine at codon 1260 is replaced by valine, an amino acid with dissimilar properties. This amino acid position is conserved. In addition, this alteration is predicted to be deleterious by in silico analysis. Since supporting evidence is limited at this time, the clinical significance of this alteration remains unclear.